The following is an entry in ClinVar:

ClinVar aggregate classification (germline): Uncertain significance (1 of 4 stars; one submission).

Conditions:
ABCB11-related disorder. Also called: ABCB11-related condition.

gnomAD v4.1: 2 of 1,608,460 alleles (0.00012%); highest among the groups gnomAD compares: Non-Finnish European, 0.00017%; no homozygotes.

Submission:

PreventionGenetics, part of Exact Sciences
Classification: Uncertain significance for ABCB11-related condition. Last evaluated: 2025-09-08. Review status: criteria provided, single submitter. Criteria: ACMG Guidelines, 2015. Collection method: clinical testing. Allele origin: germline.
Comment: The ABCB11 c.776T>C variant is predicted to result in the amino acid substitution p.Ile259Thr. To our knowledge, this variant has not been reported in the literature or in a large population database (gnomAD), indicating this variant is rare. At this time, the clinical significance of this variant is uncertain due to the absence of conclusive functional and genetic evidence.

NM_003742.4(ABCB11):c.776T>C (p.Ile259Thr)

Gene: ABCB11 (ATP binding cassette subfamily B member 11; minus strand). Cytogenetic location: 2q31.1.
Variant type: single nucleotide variant.
Coding change: c.776T>C on transcript NM_003742.4 (MANE Select); coding-DNA position 776, T replaced by C.
Protein change: p.Ile259Thr; replaces isoleucine 259 with threonine.
Molecular consequence: missense variant.
Genome position (GRCh38, 1-based): chr2:168,993,718, A>G on the plus strand (T>C on the coding strand, the complement: ABCB11 is on the minus strand). VCF-style: chr2-168993718-A-G. GRCh37 (hg19) VCF-style: chr2-169850228-A-G.
Other names: short protein forms I259T.
Identifiers: ClinVar variation 4988180 (VCV004988180.1).
Genomic context (GRCh38, chr2:168,993,718, plus strand): 5'-TGTTTATGAAGGCAAATGTCTTCCCATGGAGAGATGCAAAAAGACATTCTTACCAGACCA[A>G]TGGTGGCTGCTCCAATCCCAATGAGAGGGCTGACAGAAATAATAACCAAGGTCAGTTTCC-3'
Protein context (NP_003733.2, residues 249-269): SPLIGIGAAT[Ile259Thr]GLSVSKFTDY